The following is an entry in ClinVar:

ClinVar aggregate classification (germline): Uncertain significance (1 of 4 stars; one submission).

Allele frequency attached by ClinVar (database versions not stated): ExAC 0.00001; gnomAD 0.00001; gnomAD exomes 0.00001; TOPMed 0.00001.
gnomAD v4.1: 11 of 1,613,934 alleles (0.00068%); highest among the groups gnomAD compares: Non-Finnish European, 0.00085%; no homozygotes.

Submission:

Labcorp Genetics (formerly Invitae), Labcorp
Classification: Uncertain significance. Last evaluated: 2025-10-26. Review status: criteria provided, single submitter. Criteria: Invitae Variant Classification Sherloc (09022015). Collection method: clinical testing. Allele origin: germline.
Comment: This sequence change replaces isoleucine, which is neutral and non-polar, with valine, which is neutral and non-polar, at codon 118 of the DNAJC21 protein (p.Ile118Val). This variant is present in population databases (rs772587639, gnomAD 0.002%). This variant has not been reported in the literature in individuals affected with DNAJC21-related conditions. ClinVar contains an entry for this variant (Variation ID: 1404822). An algorithm developed to predict the effect of missense changes on protein structure and function (PolyPhen-2) suggests that this variant is likely to be tolerated. In summary, the available evidence is currently insufficient to determine the role of this variant in disease. Therefore, it has been classified as a Variant of Uncertain Significance.

NM_001012339.3(DNAJC21):c.352A>G (p.Ile118Val)

Gene: DNAJC21 (DnaJ heat shock protein family (Hsp40) member C21; plus strand). Cytogenetic location: 5p13.2.
Variant type: single nucleotide variant.
Coding change: c.352A>G on transcript NM_001012339.3 (MANE Select); coding-DNA position 352, A replaced by G.
Protein change: p.Ile118Val; replaces isoleucine 118 with valine.
Molecular consequence: missense variant.
Genome position (GRCh38, 1-based): chr5:34,936,180, A>G. VCF-style: chr5-34936180-A-G. GRCh37 (hg19) VCF-style: chr5-34936285-A-G.
Other names: c.352A>G, p.Ile118Val (NM_001348420.2, NM_194283.4); short protein forms I118V.
Identifiers: ClinVar variation 1404822 (VCV001404822.5), dbSNP rs772587639, ClinGen allele CA3228425.